The following is an entry in ClinVar:

ClinVar aggregate classification (germline): Pathogenic (1 of 4 stars; one submission).

Conditions:
Peutz-Jeghers syndrome (PJS). Also called: POLYPOSIS, HAMARTOMATOUS INTESTINAL; POLYPS-AND-SPOTS SYNDROME; Peutz-Jeghers polyposis; Periorificial lentiginosis syndrome. Identifiers: Orphanet 2869, MedGen C0031269, MeSH D010580, MONDO:0008280, OMIM 175200.

Submission:

Labcorp Genetics (formerly Invitae), Labcorp
Classification: Pathogenic for Peutz-Jeghers syndrome. Last evaluated: 2020-06-16. Review status: criteria provided, single submitter. Criteria: Invitae Variant Classification Sherloc (09022015). Collection method: clinical testing. Allele origin: germline.
Comment: Donor and acceptor splice site variants typically lead to a loss of protein function (PMID: 16199547), and loss-of-function variants in STK11 are known to be pathogenic (PMID: 15188174, 16287113). For these reasons, this variant has been classified as Pathogenic. Algorithms developed to predict the effect of sequence changes on RNA splicing suggest that this variant may disrupt the consensus splice site, but this prediction has not been confirmed by published transcriptional studies. Disruption of this splice site has been observed in individual(s) with Peutz-Jeghers syndrome (PMID: 9760200, 23718779, 24652667, Invitae). This variant is not present in population databases (ExAC no frequency). This sequence change affects an acceptor splice site in intron 1 of the STK11 gene. It is expected to disrupt RNA splicing and likely results in an absent or disrupted protein product.

Literature cited by the submitters: PubMed 16199547; PubMed 15188174; PubMed 16287113; PubMed 9760200; PubMed 23718779; PubMed 24652667.

NM_000455.5(STK11):c.291-1G>C

Gene: STK11 (serine/threonine kinase 11; plus strand). Cytogenetic location: 19p13.3.
Variant type: single nucleotide variant.
Coding change: c.291-1G>C on transcript NM_000455.5 (MANE Select); the canonical splice acceptor site of the intron before coding-DNA position 291, G replaced by C.
Molecular consequence: splice acceptor variant.
Genome position (GRCh38, 1-based): chr19:1,218,416, G>C. VCF-style: chr19-1218416-G-C. GRCh37 (hg19) VCF-style: chr19-1218415-G-C.
Other names: c.291-1G>C (NM_001407255.1).
Identifiers: ClinVar variation 1075652 (VCV001075652.9), dbSNP rs112675807, ClinGen allele CA304024177.